The following is an entry in ClinVar:

ClinVar aggregate classification (germline): Uncertain significance (1 of 4 stars; one submission).

Allele frequency attached by ClinVar (database versions not stated): gnomAD exomes below 0.00001 and 0.00001; ExAC 0.00001.

Submission:

Labcorp Genetics (formerly Invitae), Labcorp
Classification: Uncertain significance. Last evaluated: 2021-12-03. Review status: criteria provided, single submitter. Criteria: Invitae Variant Classification Sherloc (09022015). Collection method: clinical testing. Allele origin: germline.
Comment: This sequence change replaces arginine, which is basic and polar, with glutamine, which is neutral and polar, at codon 14 of the STAMBP protein (p.Arg14Gln). In summary, the available evidence is currently insufficient to determine the role of this variant in disease. Therefore, it has been classified as a Variant of Uncertain Significance. Algorithms developed to predict the effect of missense changes on protein structure and function are either unavailable or do not agree on the potential impact of this missense change (SIFT: "Deleterious"; PolyPhen-2: "Probably Damaging"; Align-GVGD: "Class C0"). This variant has not been reported in the literature in individuals affected with STAMBP-related conditions. This variant is present in population databases (rs778405428, gnomAD 0.003%).

NM_213622.4(STAMBP):c.41G>A (p.Arg14Gln)

Genes: STAMBP (STAM binding protein; plus strand), LOC126806253 (CDK7 strongly-dependent group 2 enhancer GRCh37_chr2:74057585-74058784; plus strand). Cytogenetic location: 2p13.1.
Variant type: single nucleotide variant.
Coding change: c.41G>A on transcript NM_213622.4 (MANE Select); coding-DNA position 41, G replaced by A.
Protein change: p.Arg14Gln; replaces arginine 14 with glutamine.
Molecular consequence: missense variant. On other transcripts: 5 prime UTR variant (5), non-coding transcript variant (4), intron variant (1).
Genome position (GRCh38, 1-based): chr2:73,830,897, G>A. VCF-style: chr2-73830897-G-A. GRCh37 (hg19) VCF-style: chr2-74058024-G-A.
Other names: c.41G>A, p.Arg14Gln (NM_001353967.2, NM_001353968.2, NM_001353969.2 and 3 more transcripts); c.-513G>A (NM_001353971.2, NM_001353973.2, NM_001353974.2 and 2 more transcripts); c.-203+1901G>A (NM_001353972.2); short protein forms R14Q.
Identifiers: ClinVar variation 1398534 (VCV001398534.10), dbSNP rs778405428, ClinGen allele CA1717429.